The following is an entry in ClinVar:

NM_001036.6(RYR3):c.4385G>A (p.Gly1462Glu)

Gene: RYR3 (ryanodine receptor 3; plus strand). Cytogenetic location: 15q14.
Variant type: single nucleotide variant.
Coding change: c.4385G>A on transcript NM_001036.6 (MANE Select); coding-DNA position 4385, G replaced by A.
Protein change: p.Gly1462Glu; replaces glycine 1462 with glutamic acid.
Molecular consequence: missense variant.
Genome position (GRCh38, 1-based): chr15:33,659,796, G>A. VCF-style: chr15-33659796-G-A. GRCh37 (hg19) VCF-style: chr15-33951997-G-A.
Other names: c.4385G>A, p.Gly1462Glu (NM_001243996.4); short protein forms G1462E.
Identifiers: ClinVar variation 962300 (VCV000962300.9), dbSNP rs1235900492, ClinGen allele CA391566126.

ClinVar aggregate classification (germline): Uncertain significance (1 of 4 stars; one submission).

Conditions:
Epileptic encephalopathy. Identifiers: MedGen C0543888, HP:0200134.

Allele frequency attached by ClinVar (database versions not stated): gnomAD exomes below 0.00001.
gnomAD v4.1: 1 of 1,606,580 alleles (0.000062%); highest among the groups gnomAD compares: Admixed American, 0.0017%; no homozygotes.

Submission:

Labcorp Genetics (formerly Invitae), Labcorp
Classification: Uncertain significance for Epileptic encephalopathy. Last evaluated: 2024-07-15. Review status: criteria provided, single submitter. Criteria: Invitae Variant Classification Sherloc (09022015). Collection method: clinical testing. Allele origin: germline.
Comment: This sequence change replaces glycine, which is neutral and non-polar, with glutamic acid, which is acidic and polar, at codon 1462 of the RYR3 protein (p.Gly1462Glu). This variant is not present in population databases (gnomAD no frequency). This variant has not been reported in the literature in individuals affected with RYR3-related conditions. ClinVar contains an entry for this variant (Variation ID: 962300). Advanced modeling of protein sequence and biophysical properties (such as structural, functional, and spatial information, amino acid conservation, physicochemical variation, residue mobility, and thermodynamic stability) performed at Invitae indicates that this missense variant is expected to disrupt RYR3 protein function with a positive predictive value of 80%. In summary, the available evidence is currently insufficient to determine the role of this variant in disease. Therefore, it has been classified as a Variant of Uncertain Significance.